The following is an entry in ClinVar:

NM_001042492.3(NF1):c.7831dup (p.Thr2611fs)

Gene: NF1 (neurofibromin 1; plus strand). Cytogenetic location: 17q11.2.
Variant type: Duplication.
Coding change: c.7831dup on transcript NM_001042492.3 (MANE Select); coding-DNA position 7831, one base duplicated (A; older notation c.7831dupA).
Protein change: p.Thr2611fs; shifts the reading frame from threonine 2611.
Molecular consequence: frameshift variant.
Genome position (GRCh38, 1-based): chr17:31,357,052, A duplicated. VCF-style (leftmost placement, unchanged base first): chr17-31357051-T-TA. GRCh37 (hg19) VCF-style: chr17-29684069-T-TA.
Other names: c.7768dup, p.Thr2590Asnfs (NM_000267.4); short protein forms T2590fs, T2611fs.
Identifiers: ClinVar variation 2846878 (VCV002846878.3), dbSNP rs2508827786, ClinGen allele CA2739267292.

ClinVar aggregate classification (germline): Pathogenic (1 of 4 stars; one submission).

Conditions:
Neurofibromatosis, type 1 (NF1). Also called: Neurofibromatosis, type I; VON RECKLINGHAUSEN DISEASE; NEUROFIBROMATOSIS, TYPE I, SOMATIC; Peripheral type neurofibromatosis. Identifiers: Orphanet 636, MedGen C0027831, MONDO:0018975, OMIM 162200. Disease mechanism: loss of function.

Submission:

Labcorp Genetics (formerly Invitae), Labcorp
Classification: Pathogenic for Neurofibromatosis, type 1. Last evaluated: 2023-03-21. Review status: criteria provided, single submitter. Criteria: Invitae Variant Classification Sherloc (09022015). Collection method: clinical testing. Allele origin: germline.
Comment: For these reasons, this variant has been classified as Pathogenic. This variant has not been reported in the literature in individuals affected with NF1-related conditions. This variant is not present in population databases (gnomAD no frequency). This sequence change creates a premature translational stop signal (p.Thr2590Asnfs*2) in the NF1 gene. It is expected to result in an absent or disrupted protein product. Loss-of-function variants in NF1 are known to be pathogenic (PMID: 10712197, 23913538).

Literature cited by the submitters: PubMed 10712197; PubMed 23913538.